The following is an entry in ClinVar:

ClinVar aggregate classification (germline): Uncertain significance. Review status: criteria provided, multiple submitters, no conflicts (2 of 4 stars). 4 submissions from 4 submitters: Uncertain significance (4). Last evaluated 2024-01-27.

Conditions:
Familial cancer of breast. Also called: BREAST CANCER, FAMILIAL; Hereditary breast cancer; hereditary breast carcinoma. Identifiers: Orphanet 227535, MedGen C0346153, MONDO:0016419, OMIM 114480. Disease mechanism: loss of function.
Hereditary cancer-predisposing syndrome. Also called: Neoplastic Syndromes, Hereditary; Tumor predisposition; Hereditary neoplastic syndrome; Hereditary Cancer Syndrome. Identifiers: Orphanet 140162, MedGen C0027672, MeSH D009386, MONDO:0015356.

Allele frequency attached by ClinVar (database versions not stated): TOPMed below 0.00001; gnomAD 0.00001; gnomAD exomes 0.00001.

Submissions (4):

Ambry Genetics
Classification: Uncertain significance for Hereditary cancer-predisposing syndrome. Last evaluated: 2024-01-27. Review status: criteria provided, single submitter. Criteria: Ambry Variant Classification Scheme 2023. Collection method: clinical testing. Allele origin: germline.
Comment: The p.P7S variant (also known as c.19C>T), located in coding exon 1 of the BARD1 gene, results from a C to T substitution at nucleotide position 19. The proline at codon 7 is replaced by serine, an amino acid with similar properties. This amino acid position is not conserved on limited sequence alignment. In addition, the in silico prediction for this alteration is inconclusive. Since supporting evidence is limited at this time, the clinical significance of this alteration remains unclear.

Color Diagnostics, LLC DBA Color Health
Classification: Uncertain significance for Hereditary cancer-predisposing syndrome. Last evaluated: 2023-12-04. Review status: criteria provided, single submitter. Criteria: ACMG Guidelines, 2015. Collection method: clinical testing. Allele origin: germline.
Comment: This missense variant replaces proline with serine at codon 7 of the BARD1 protein. Computational prediction suggests that this variant may not impact protein structure and function (internally defined REVEL score threshold <= 0.5, PMID: 27666373). To our knowledge, functional studies have not been reported for this variant. This variant has not been reported in individuals affected with BARD1-related disorders in the literature. This variant has been identified in 1/31356 chromosomes in the general population by the Genome Aggregation Database (gnomAD). The available evidence is insufficient to determine the role of this variant in disease conclusively. Therefore, this variant is classified as a Variant of Uncertain Significance.

Labcorp Genetics (formerly Invitae), Labcorp
Classification: Uncertain significance for Familial cancer of breast. Last evaluated: 2022-03-26. Review status: criteria provided, single submitter. Criteria: Invitae Variant Classification Sherloc (09022015). Collection method: clinical testing. Allele origin: germline.
Comment: This sequence change replaces proline, which is neutral and non-polar, with serine, which is neutral and polar, at codon 7 of the BARD1 protein (p.Pro7Ser). The frequency data for this variant in the population databases is considered unreliable, as metrics indicate poor data quality at this position in the gnomAD database. This variant has not been reported in the literature in individuals affected with BARD1-related conditions. ClinVar contains an entry for this variant (Variation ID: 628622). Algorithms developed to predict the effect of missense changes on protein structure and function are either unavailable or do not agree on the potential impact of this missense change (SIFT: "Tolerated"; PolyPhen-2: "Possibly Damaging"; Align-GVGD: "Class C0"). In summary, the available evidence is currently insufficient to determine the role of this variant in disease. Therefore, it has been classified as a Variant of Uncertain Significance.

GeneDx
Classification: Uncertain significance. Last evaluated: 2022-03-02. Review status: criteria provided, single submitter. Criteria: GeneDx Variant Classification Process June 2021. Collection method: clinical testing. Allele origin: germline. Affected: yes.
Comment: Not observed at significant frequency in large population cohorts (gnomAD); In silico analysis supports that this missense variant does not alter protein structure/function; Has not been previously published as pathogenic or benign to our knowledge

NM_000465.4(BARD1):c.19C>T (p.Pro7Ser)

Gene: BARD1 (BRCA1 associated RING domain 1; minus strand). Cytogenetic location: 2q35.
Variant type: single nucleotide variant.
Coding change: c.19C>T on transcript NM_000465.4 (MANE Select); coding-DNA position 19, C replaced by T.
Protein change: p.Pro7Ser; replaces proline 7 with serine.
Molecular consequence: missense variant. On other transcripts: non-coding transcript variant (3).
Genome position (GRCh38, 1-based): chr2:214,809,551, G>A on the plus strand (C>T on the coding strand, the complement: BARD1 is on the minus strand). VCF-style: chr2-214809551-G-A. GRCh37 (hg19) VCF-style: chr2-215674275-G-A.
Other names: c.19C>T, p.Pro7Ser (NM_001282543.2, NM_001282545.2, NM_001282548.2 and 1 more transcripts); c.19C>T (NM_000465.2); short protein forms P7S.
Identifiers: ClinVar variation 628622 (VCV000628622.18), dbSNP rs1158534804, ClinGen allele CA350465444.